The following is an entry in ClinVar:

NM_019032.6(ADAMTSL4):c.468G>A (p.Met156Ile)

Genes: ADAMTSL4 (ADAMTS like 4; plus strand), ADAMTSL4-AS2 (ADAMTSL4 antisense RNA 2; minus strand). Cytogenetic location: 1q21.2.
Variant type: single nucleotide variant.
Coding change: c.468G>A on transcript NM_019032.6 (MANE Select); coding-DNA position 468, G replaced by A.
Protein change: p.Met156Ile; replaces methionine 156 with isoleucine.
Molecular consequence: missense variant.
Genome position (GRCh38, 1-based): chr1:150,553,459, G>A. VCF-style: chr1-150553459-G-A. GRCh37 (hg19) VCF-style: chr1-150525935-G-A.
Other names: c.468G>A, p.Met156Ile (NM_001288607.2, NM_001288608.2, NM_001378596.1 and 1 more transcripts); c.468G>A (NM_019032.4); short protein forms M156I.
Identifiers: ClinVar variation 2172155 (VCV002172155.3), dbSNP rs201084355, ClinGen allele CA1077965.
Genomic context (GRCh38, chr1:150,553,459, plus strand): 5'-GCCCCCACATCTGAAACACCTTCTCAGGTCCCGGCTTCGAGACCCCATCAAGCCAGGAAT[G>A]TTCGGTTATGGGAGAGTGCCCTTTGCATTGCCACTGCACCGGAACCGCAGGCACCCTCGG-3'
Protein context (NP_061905.2, residues 146-166): SRLRDPIKPG[Met156Ile]FGYGRVPFAL

ClinVar aggregate classification (germline): Uncertain significance. Review status: criteria provided, multiple submitters, no conflicts (2 of 4 stars). 2 submissions from 2 submitters: Uncertain significance (2). Last evaluated 2025-07-01.

Conditions:
Inborn genetic diseases. Identifiers: MedGen C0950123, MeSH D030342.

Allele frequency attached by ClinVar (database versions not stated): gnomAD exomes 0.00004; ExAC 0.00010; gnomAD 0.00028; ESP Exome Variant Server 0.00038; TOPMed 0.00039; 1000 Genomes Project 0.00060; 1000 Genomes Project 30x 0.00062.

Submissions (2):

Ambry Genetics
Classification: Uncertain significance for Inborn genetic diseases. Last evaluated: 2025-07-01. Review status: criteria provided, single submitter. Criteria: Ambry Variant Classification Scheme 2023. Collection method: clinical testing. Allele origin: germline.

Labcorp Genetics (formerly Invitae), Labcorp
Classification: Uncertain significance. Last evaluated: 2024-10-15. Review status: criteria provided, single submitter. Criteria: Invitae Variant Classification Sherloc (09022015). Collection method: clinical testing. Allele origin: germline.
Comment: This sequence change replaces methionine, which is neutral and non-polar, with isoleucine, which is neutral and non-polar, at codon 156 of the ADAMTSL4 protein (p.Met156Ile). This variant is present in population databases (rs201084355, gnomAD 0.1%). This variant has not been reported in the literature in individuals affected with ADAMTSL4-related conditions. ClinVar contains an entry for this variant (Variation ID: 2172155). Invitae Evidence Modeling of protein sequence and biophysical properties (such as structural, functional, and spatial information, amino acid conservation, physicochemical variation, residue mobility, and thermodynamic stability) indicates that this missense variant is not expected to disrupt ADAMTSL4 protein function with a negative predictive value of 80%. In summary, the available evidence is currently insufficient to determine the role of this variant in disease. Therefore, it has been classified as a Variant of Uncertain Significance.